The following is an entry in ClinVar:

ClinVar aggregate classification (germline): Uncertain significance (1 of 4 stars; one submission).

Allele frequency attached by ClinVar (database versions not stated): TOPMed below 0.00001.

Submission:

Labcorp Genetics (formerly Invitae), Labcorp
Classification: Uncertain significance. Last evaluated: 2021-08-25. Review status: criteria provided, single submitter. Criteria: Invitae Variant Classification Sherloc (09022015). Collection method: clinical testing. Allele origin: germline.
Comment: This sequence change replaces isoleucine with serine at codon 132 of the VDR protein (p.Ile132Ser). The isoleucine residue is highly conserved and there is a large physicochemical difference between isoleucine and serine. This variant is not present in population databases (ExAC no frequency). This missense change has been observed in individual(s) with vitamin D-dependent rickets (Invitae). Algorithms developed to predict the effect of missense changes on protein structure and function are either unavailable or do not agree on the potential impact of this missense change (SIFT: "Deleterious"; PolyPhen-2: "Possibly Damaging"; Align-GVGD: "Class C0"). In summary, the available evidence is currently insufficient to determine the role of this variant in disease. Therefore, it has been classified as a Variant of Uncertain Significance.

NM_000376.3(VDR):c.395T>G (p.Ile132Ser)

Gene: VDR (vitamin D receptor; minus strand). Cytogenetic location: 12q13.11.
Variant type: single nucleotide variant.
Coding change: c.395T>G on transcript NM_000376.3 (MANE Select); coding-DNA position 395, T replaced by G.
Protein change: p.Ile132Ser; replaces isoleucine 132 with serine.
Molecular consequence: missense variant.
Genome position (GRCh38, 1-based): chr12:47,857,571, A>C on the plus strand (T>G on the coding strand, the complement: VDR is on the minus strand). VCF-style: chr12-47857571-A-C. GRCh37 (hg19) VCF-style: chr12-48251354-A-C.
Other names: c.395T>G, p.Ile132Ser (NM_001017535.2, NM_001364085.2, NM_001374661.1 and 1 more transcripts); c.545T>G, p.Ile182Ser (NM_001017536.2); short protein forms I132S, I182S.
Identifiers: ClinVar variation 957488 (VCV000957488.7), dbSNP rs1945516530, ClinGen allele CA384519369.